The following is an entry in ClinVar:

NM_000143.4(FH):c.233A>C (p.Asn78Thr)

Gene: FH (fumarate hydratase; minus strand). Cytogenetic location: 1q43.
Variant type: single nucleotide variant.
Coding change: c.233A>C on transcript NM_000143.4 (MANE Select); coding-DNA position 233, A replaced by C.
Protein change: p.Asn78Thr; replaces asparagine 78 with threonine.
Molecular consequence: missense variant.
Genome position (GRCh38, 1-based): chr1:241,517,216, T>G on the plus strand (A>C on the coding strand, the complement: FH is on the minus strand). VCF-style: chr1-241517216-T-G. GRCh37 (hg19) VCF-style: chr1-241680516-T-G.
Other names: short protein forms N78T.
Identifiers: ClinVar variation 5021734 (VCV005021734.1).
Genomic context (GRCh38, chr1:241,517,216, plus strand): 5'-CCAACATTTCCACAAATGCCACTTACTGGCATGCGTTCTGTCACACCTCCAATCTTAAAG[T>G]TCATCGTAGATCTCACGGTCTGGGCGCCATAATACTTATCATTTGGCACCTTTAGTTCAC-3'
Protein context (NP_000134.2, residues 68-88): YGAQTVRSTM[Asn78Thr]FKIGGVTERM

ClinVar aggregate classification (germline): Uncertain significance (1 of 4 stars; one submission).

Conditions:
Hereditary cancer-predisposing syndrome. Also called: Neoplastic Syndromes, Hereditary; Tumor predisposition; Hereditary neoplastic syndrome; Hereditary Cancer Syndrome. Identifiers: Orphanet 140162, MedGen C0027672, MeSH D009386, MONDO:0015356.

Submission:

Ambry Genetics
Classification: Uncertain significance for Hereditary cancer-predisposing syndrome. Last evaluated: 2026-07-06. Review status: criteria provided, single submitter. Criteria: Ambry Variant Classification Scheme 2023. Collection method: clinical testing. Allele origin: germline.
Comment: The p.N78T variant (also known as c.233A>C), located in coding exon 2 of the FH gene, results from an A to C substitution at nucleotide position 233. The asparagine at codon 78 is replaced by threonine, an amino acid with similar properties. This amino acid position is conserved. In addition, this alteration is predicted to be deleterious by in silico analysis. Based on the available evidence, the clinical significance of this variant remains unclear.